The following is an entry in ClinVar:

NM_000051.4(ATM):c.7683G>A (p.Leu2561=)

Genes: ATM (ATM serine/threonine kinase; plus strand), C11orf65 (chromosome 11 open reading frame 65; minus strand). Cytogenetic location: 11q22.3.
Variant type: single nucleotide variant.
Coding change: c.7683G>A on transcript NM_000051.4 (MANE Select); coding-DNA position 7683, G replaced by A.
Protein change: p.Leu2561=; no amino-acid change (leucine 2561 retained).
Molecular consequence: synonymous variant. On other transcripts: intron variant (2).
Genome position (GRCh38, 1-based): chr11:108,331,932, G>A. VCF-style: chr11-108331932-G-A. GRCh37 (hg19) VCF-style: chr11-108202659-G-A.
Other names: c.7683G>A, p.Leu2561= (NM_001351834.2); c.641-22861C>T (NM_001330368.2); c.*38+3288C>T (NM_001351110.2).
Identifiers: ClinVar variation 1760120 (VCV001760120.3), dbSNP rs2136519792, ClinGen allele CA476677198.

ClinVar aggregate classification (germline): Benign/Likely benign. Review status: criteria provided, multiple submitters, no conflicts (2 of 4 stars). 2 submissions from 2 submitters: Benign (1); Likely benign (1). Last evaluated 2024-06-17.

Conditions:
Familial cancer of breast. Also called: Hereditary breast cancer; hereditary breast carcinoma; BREAST CANCER, FAMILIAL. Identifiers: Orphanet 227535, MedGen C0346153, MONDO:0016419, OMIM 114480. Disease mechanism: loss of function.
Hereditary cancer-predisposing syndrome. Also called: Hereditary neoplastic syndrome; Neoplastic Syndromes, Hereditary; Tumor predisposition; Hereditary Cancer Syndrome. Identifiers: Orphanet 140162, MedGen C0027672, MeSH D009386, MONDO:0015356.

Submissions (2):

Myriad Genetics, Inc.
Classification: Benign for Familial cancer of breast. Last evaluated: 2024-06-17. Review status: criteria provided, single submitter. Criteria: Myriad Autosomal Dominant, Autosomal Recessive and X-Linked Classification Criteria (2023). Collection method: clinical testing. Allele origin: unknown.
Comment: This variant is considered benign. This variant is a silent/synonymous amino acid change and it is not expected to impact splicing.

Ambry Genetics
Classification: Likely benign for Hereditary cancer-predisposing syndrome. Last evaluated: 2020-07-30. Review status: criteria provided, single submitter. Criteria: Ambry Variant Classification Scheme 2023. Collection method: clinical testing. Allele origin: germline.